The following is an entry in ClinVar:

ClinVar aggregate classification (germline): Uncertain significance (1 of 4 stars; one submission).

Conditions:
Hereditary pheochromocytoma and paraganglioma. Also called: Hereditary paragangliomas and pheochromocytomas; Hereditary Paraganglioma-Pheochromocytoma Syndromes; Hereditary pheochromocytoma-paraganglioma. Identifiers: Orphanet 29072, MedGen C4274332, MONDO:0017366.

Allele frequency attached by ClinVar (database versions not stated): gnomAD exomes below 0.00001.
gnomAD v4.1: 1 of 1,614,162 alleles (0.000062%); highest among the groups gnomAD compares: Admixed American, 0.0017%; no homozygotes.

Submission:

Labcorp Genetics (formerly Invitae), Labcorp
Classification: Uncertain significance for Hereditary pheochromocytoma and paraganglioma. Last evaluated: 2024-03-06. Review status: criteria provided, single submitter. Criteria: Invitae Variant Classification Sherloc (09022015). Collection method: clinical testing. Allele origin: germline.
Comment: This sequence change disrupts the translational stop signal of the SDHAF2 mRNA. It is expected to extend the length of the SDHAF2 protein by 22 additional amino acid residues. This variant is present in population databases (no rsID available, gnomAD 0.003%). This variant has not been reported in the literature in individuals affected with SDHAF2-related conditions. In summary, the available evidence is currently insufficient to determine the role of this variant in disease. Therefore, it has been classified as a Variant of Uncertain Significance.

NM_017841.4(SDHAF2):c.501A>G (p.Ter167Trp)

Gene: SDHAF2 (succinate dehydrogenase complex assembly factor 2; plus strand). Cytogenetic location: 11q12.2.
Variant type: single nucleotide variant.
Coding change: c.501A>G on transcript NM_017841.4 (MANE Select); coding-DNA position 501, A replaced by G.
Protein change: p.Ter167Trp.
Molecular consequence: stop lost.
Genome position (GRCh38, 1-based): chr11:61,446,071, A>G. VCF-style: chr11-61446071-A-G. GRCh37 (hg19) VCF-style: chr11-61213543-A-G.
Identifiers: ClinVar variation 2967724 (VCV002967724.3), dbSNP rs1346862997, ClinGen allele CA380685705.